The following is an entry in ClinVar:

ClinVar aggregate classification (germline): Benign (1 of 4 stars; one submission).

Conditions:
Leigh syndrome (NULS). Also called: Leigh's necrotizing encephalopathy; Leigh's disease; Leigh's syndrome; LEIGH SYNDROME, NUCLEAR; Leigh Syndrome (mtDNA deletion); Leigh Disease. Identifiers: Orphanet 506, MedGen C2931891, MONDO:0009723, OMIM 256000.

Submission:

Wong Mito Lab, Molecular and Human Genetics, Baylor College of Medicine
Classification: Benign for Leigh syndrome. Last evaluated: 2019-10-17. Review status: criteria provided, single submitter. Criteria: Modified ACMG Guidelines (Unpublished). Collection method: clinical testing. Allele origin: germline.
Comment: The NC_012920.1:m.14862C>T (YP_003024038.1:p.Ala39Val) variant in MTCYB gene is interpretated to be a Benign variant based on the modified ACMG guidelines (unpublished). This variant meets the following evidence codes: BS1, BS2, BP4

Literature cited by the submitters: PubMed 17003408.

NC_012920.1(MT-CYB):m.14862C>T

Gene: MT-CYB (mitochondrially encoded cytochrome b; plus strand).
Variant type: single nucleotide variant.
Genome position: chrM-14862-C-T.
Identifiers: ClinVar variation 693779 (VCV000693779.1), dbSNP rs1603224933, ClinGen allele CA913172297.
Genomic context (GRCh38, chrMT:14,862, plus strand): 5'-TCGACCTCCCCACCCCATCCAACATCTCCGCATGATGAAACTTCGGCTCACTCCTTGGCG[C>T]CTGCCTGATCCTCCAAATCACCACAGGACTATTCCTAGCCATGCACTACTCACCAGACGC-3'